The following is an entry in ClinVar:

NM_018714.3(COG1):c.1954C>G (p.Gln652Glu)

Gene: COG1 (component of oligomeric golgi complex 1; plus strand). Cytogenetic location: 17q25.1.
Variant type: single nucleotide variant.
Coding change: c.1954C>G on transcript NM_018714.3 (MANE Select); coding-DNA position 1954, C replaced by G.
Protein change: p.Gln652Glu; replaces glutamine 652 with glutamic acid.
Molecular consequence: missense variant.
Genome position (GRCh38, 1-based): chr17:73,201,781, C>G. VCF-style: chr17-73201781-C-G. GRCh37 (hg19) VCF-style: chr17-71197920-C-G.
Other names: short protein forms Q652E.
Identifiers: ClinVar variation 3685255 (VCV003685255.2).

ClinVar aggregate classification (germline): Uncertain significance (1 of 4 stars; one submission).

Conditions:
COG1 congenital disorder of glycosylation (CDG2G). Also called: CONGENITAL DISORDER OF GLYCOSYLATION, TYPE IIg; CDG IIg; CDGII/COG1 CEREBROCOSTOMANDIBULAR-LIKE SYNDROME. Identifiers: Orphanet 263508, MedGen C2931011, MONDO:0012637, OMIM 611209.

Submission:

Labcorp Genetics (formerly Invitae), Labcorp
Classification: Uncertain significance for COG1 congenital disorder of glycosylation. Last evaluated: 2025-06-04. Review status: criteria provided, single submitter. Criteria: Invitae Variant Classification Sherloc (09022015). Collection method: clinical testing. Allele origin: germline.
Comment: This sequence change replaces glutamine, which is neutral and polar, with glutamic acid, which is acidic and polar, at codon 652 of the COG1 protein (p.Gln652Glu). This variant is not present in population databases (gnomAD no frequency). This variant has not been reported in the literature in individuals affected with COG1-related conditions. ClinVar contains an entry for this variant (Variation ID: 3685255). Invitae Evidence Modeling of protein sequence and biophysical properties (such as structural, functional, and spatial information, amino acid conservation, physicochemical variation, residue mobility, and thermodynamic stability) indicates that this missense variant is not expected to disrupt COG1 protein function with a negative predictive value of 80%. In summary, the available evidence is currently insufficient to determine the role of this variant in disease. Therefore, it has been classified as a Variant of Uncertain Significance.